The following is an entry in ClinVar:

NM_001042492.3(NF1):c.567A>T (p.Lys189Asn)

Gene: NF1 (neurofibromin 1; plus strand). Cytogenetic location: 17q11.2.
Variant type: single nucleotide variant.
Coding change: c.567A>T on transcript NM_001042492.3 (MANE Select); coding-DNA position 567, A replaced by T.
Protein change: p.Lys189Asn; replaces lysine 189 with asparagine.
Molecular consequence: missense variant.
Genome position (GRCh38, 1-based): chr17:31,169,978, A>T. VCF-style: chr17-31169978-A-T. GRCh37 (hg19) VCF-style: chr17-29496996-A-T.
Other names: c.567A>T, p.Lys189Asn (NM_000267.4, NM_001128147.3); short protein forms K189N.
Identifiers: ClinVar variation 3634483 (VCV003634483.2).
Genomic context (GRCh38, chr17:31,169,978, plus strand): 5'-AGACAATGTTGATGTTCATGATATAGAATTGTTACAGTATATCAATGTGGATTGTGCAAA[A>T]TTAAAACGACTCCTGAAGGGTAAGTTTAAATGTATAATATATCTGAAAAAAATCACTGGG-3'
Protein context (NP_001035957.1, residues 179-199): LLQYINVDCA[Lys189Asn]LKRLLKETAF

ClinVar aggregate classification (germline): Uncertain significance (1 of 4 stars; one submission).

Conditions:
Neurofibromatosis, type 1 (NF1). Also called: VON RECKLINGHAUSEN DISEASE; Peripheral type neurofibromatosis; NEUROFIBROMATOSIS, TYPE I, SOMATIC; Neurofibromatosis, type I. Identifiers: Orphanet 636, MedGen C0027831, MONDO:0018975, OMIM 162200. Disease mechanism: loss of function.

Submission:

Labcorp Genetics (formerly Invitae), Labcorp
Classification: Uncertain significance for Neurofibromatosis, type 1. Last evaluated: 2025-01-07. Review status: criteria provided, single submitter. Criteria: Invitae Variant Classification Sherloc (09022015). Collection method: clinical testing. Allele origin: germline.
Comment: This sequence change replaces lysine, which is basic and polar, with asparagine, which is neutral and polar, at codon 189 of the NF1 protein (p.Lys189Asn). This variant is not present in population databases (gnomAD no frequency). This variant has not been reported in the literature in individuals affected with NF1-related conditions. Invitae Evidence Modeling of protein sequence and biophysical properties (such as structural, functional, and spatial information, amino acid conservation, physicochemical variation, residue mobility, and thermodynamic stability) indicates that this missense variant is expected to disrupt NF1 protein function with a positive predictive value of 95%. In summary, the available evidence is currently insufficient to determine the role of this variant in disease. Therefore, it has been classified as a Variant of Uncertain Significance.